The following is an entry in ClinVar:

ClinVar aggregate classification (germline): Uncertain significance (1 of 4 stars; one submission).

Conditions:
Kleefstra syndrome 1 (KLEFS1). Identifiers: Orphanet 261494, MedGen C0795833, MONDO:0027407, OMIM 610253.

Submission:

Labcorp Genetics (formerly Invitae), Labcorp
Classification: Uncertain significance for Kleefstra syndrome 1. Last evaluated: 2023-05-25. Review status: criteria provided, single submitter. Criteria: Invitae Variant Classification Sherloc (09022015). Collection method: clinical testing. Allele origin: germline.
Comment: This sequence change replaces glutamine, which is neutral and polar, with arginine, which is basic and polar, at codon 470 of the EHMT1 protein (p.Gln470Arg). This variant has not been reported in the literature in individuals affected with EHMT1-related conditions. This variant is not present in population databases (gnomAD no frequency). In summary, the available evidence is currently insufficient to determine the role of this variant in disease. Therefore, it has been classified as a Variant of Uncertain Significance. An algorithm developed to predict the effect of missense changes on protein structure and function (PolyPhen-2) suggests that this variant is likely to be tolerated.

NM_024757.5(EHMT1):c.1409A>G (p.Gln470Arg)

Gene: EHMT1 (euchromatic histone lysine methyltransferase 1; plus strand). Cytogenetic location: 9q34.3.
Variant type: single nucleotide variant.
Coding change: c.1409A>G on transcript NM_024757.5 (MANE Select); coding-DNA position 1409, A replaced by G.
Protein change: p.Gln470Arg; replaces glutamine 470 with arginine.
Molecular consequence: missense variant.
Genome position (GRCh38, 1-based): chr9:137,757,919, A>G. VCF-style: chr9-137757919-A-G. GRCh37 (hg19) VCF-style: chr9-140652371-A-G.
Other names: c.1409A>G, p.Gln470Arg (NM_001145527.2, NM_001354611.2); c.1316A>G, p.Gln439Arg (NM_001354259.2, NM_001354612.2); c.1388A>G, p.Gln463Arg (NM_001354263.2); short protein forms Q470R, Q439R, Q463R.
Identifiers: ClinVar variation 2717057 (VCV002717057.3), dbSNP rs2541878768, ClinGen allele CA375765852.